The following is an entry in ClinVar:

NM_000059.4(BRCA2):c.2475T>G (p.Asn825Lys)

Gene: BRCA2 (BRCA2 DNA repair associated; plus strand). Cytogenetic location: 13q13.1.
Variant type: single nucleotide variant.
Coding change: c.2475T>G on transcript NM_000059.4 (MANE Select); coding-DNA position 2475, T replaced by G.
Protein change: p.Asn825Lys; replaces asparagine 825 with lysine.
Molecular consequence: missense variant.
Genome position (GRCh38, 1-based): chr13:32,336,830, T>G. VCF-style: chr13-32336830-T-G. GRCh37 (hg19) VCF-style: chr13-32910967-T-G.
Other names: short protein forms N825K.
Identifiers: ClinVar variation 630848 (VCV000630848.7), dbSNP rs1566226801, ClinGen allele CA387772371.
Genomic context (GRCh38, chr13:32,336,830, plus strand): 5'-TGATGTTGAATTAACCAAAAATATTCCCATGGAAAAGAATCAAGATGTATGTGCTTTAAA[T>G]GAAAATTATAAAAACGTTGAGCTGTTGCCACCTGAAAAATACATGAGAGTAGCATCACCT-3'
Protein context (NP_000050.3, residues 815-835): MEKNQDVCAL[Asn825Lys]ENYKNVELLP

ClinVar aggregate classification (germline): Conflicting classifications of pathogenicity. Review status: criteria provided, conflicting classifications (1 of 4 stars). 2 submissions from 2 submitters: Uncertain significance (1); Likely benign (1). Last evaluated 2023-12-05.

Conditions:
Hereditary cancer-predisposing syndrome. Also called: Tumor predisposition; Neoplastic Syndromes, Hereditary; Hereditary neoplastic syndrome; Hereditary Cancer Syndrome. Identifiers: Orphanet 140162, MedGen C0027672, MeSH D009386, MONDO:0015356.

Submissions (2):

Color Diagnostics, LLC DBA Color Health
Classification: Uncertain significance for Hereditary cancer-predisposing syndrome. Last evaluated: 2023-12-05. Review status: criteria provided, single submitter. Criteria: ACMG Guidelines, 2015. Collection method: clinical testing. Allele origin: germline.
Comment: This missense variant replaces asparagine with lysine at codon 825 of the BRCA2 protein. Computational prediction suggests that this variant may not impact protein structure and function (internally defined REVEL score threshold <= 0.5, PMID: 27666373). To our knowledge, functional studies have not been reported for this variant. This variant has not been reported in individuals affected with BRCA2-related disorders in the literature. This variant has not been identified in the general population by the Genome Aggregation Database (gnomAD). The available evidence is insufficient to determine the role of this variant in disease conclusively. Therefore, this variant is classified as a Variant of Uncertain Significance.

University of Washington Department of Laboratory Medicine, University of Washington
Classification: Likely benign for Hereditary cancer-predisposing syndrome. Last evaluated: 2023-03-23. Review status: criteria provided, single submitter. Criteria: Dines et al. (Genet Med. 2020). Collection method: curation. Allele origin: germline.
Comment: Missense variant in a coldspot region where missense variants are very unlikely to be pathogenic (PMID:31911673).

BRCA2 exon 11 coldspot. Reclassification based on statistical prior probability.